The following is an entry in ClinVar:

ClinVar aggregate classification (germline): Pathogenic (1 of 4 stars; one submission).

Conditions:
Ehlers-Danlos syndrome, classic type, 1 (EDSCL1). Also called: EHLERS-DANLOS SYNDROME, GRAVIS TYPE; EHLERS-DANLOS SYNDROME, SEVERE CLASSIC TYPE; EDS I; Ehlers-Danlos Syndrome, Classic Type, COL5A1-Related; Ehlers-Danlos syndrome, type 1. Identifiers: MedGen C0268335, MONDO:0019567, OMIM 130000.

Submission:

Labcorp Genetics (formerly Invitae), Labcorp
Classification: Pathogenic for Ehlers-Danlos syndrome, classic type, 1. Last evaluated: 2020-08-21. Review status: criteria provided, single submitter. Criteria: Invitae Variant Classification Sherloc (09022015). Collection method: clinical testing. Allele origin: germline.
Comment: Loss-of-function variants in COL5A1 are known to be pathogenic (PMID: 23587214). This sequence change creates a premature translational stop signal (p.Gln113*) in the COL5A1 gene. It is expected to result in an absent or disrupted protein product. This variant is not present in population databases (ExAC no frequency). This variant has not been reported in the literature in individuals with COL5A1-related conditions. For these reasons, this variant has been classified as Pathogenic.

Literature cited by the submitters: PubMed 23587214.

NM_000093.5(COL5A1):c.337C>T (p.Gln113Ter)

Gene: COL5A1 (collagen type V alpha 1 chain; plus strand). Cytogenetic location: 9q34.3.
Variant type: single nucleotide variant.
Coding change: c.337C>T on transcript NM_000093.5 (MANE Select); coding-DNA position 337, C replaced by T.
Protein change: p.Gln113Ter; replaces glutamine 113 with a stop codon.
Molecular consequence: nonsense.
Genome position (GRCh38, 1-based): chr9:134,699,968, C>T. VCF-style: chr9-134699968-C-T. GRCh37 (hg19) VCF-style: chr9-137591814-C-T.
Other names: c.337C>T, p.Gln113Ter (NM_001278074.1); short protein forms Q113*.
Identifiers: ClinVar variation 1076970 (VCV001076970.8), dbSNP rs2132569692, ClinGen allele CA375442639.